The following is an entry in ClinVar:

NM_001110556.2(FLNA):c.3329C>T (p.Ala1110Val)

Gene: FLNA (filamin A; minus strand). Cytogenetic location: Xq28.
Variant type: single nucleotide variant.
Coding change: c.3329C>T on transcript NM_001110556.2 (MANE Select); coding-DNA position 3329, C replaced by T.
Protein change: p.Ala1110Val; replaces alanine 1110 with valine.
Molecular consequence: missense variant.
Genome position (GRCh38, 1-based): chrX:154,360,466, G>A on the plus strand (C>T on the coding strand, the complement: FLNA is on the minus strand). VCF-style: chrX-154360466-G-A. GRCh37 (hg19) VCF-style: chrX-153588834-G-A.
Other names: c.3329C>T, p.Ala1110Val (NM_001456.4); short protein forms A1110V.
Identifiers: ClinVar variation 3762544 (VCV003762544.2).

ClinVar aggregate classification (germline): Uncertain significance (1 of 4 stars; one submission).

Conditions:
Oto-palato-digital syndrome, type II (OPD2). Also called: Otopalatodigital Syndrome Type 2 (FLNA-OPD2); FACIOPALATOOSSEOUS SYNDROME; OPD II SYNDROME; Otopalatodigital Syndrome, Type II. Identifiers: Orphanet 669, Orphanet 90652, MedGen C1844696, MONDO:0010571, OMIM 304120.
Heterotopia, periventricular, X-linked dominant (PVNH1). Also called: PERIVENTRICULAR NODULAR HETEROTOPIA 1; X-linked periventricular heterotopia; PERIVENTRICULAR NODULAR HETEROTOPIA 4; HETEROTOPIA, PERIVENTRICULAR, 1. Identifiers: Orphanet 2149, Orphanet 82004, MedGen C1848213, MONDO:0010233, OMIM 300049.
Frontometaphyseal dysplasia (FMD1). Identifiers: Orphanet 1826, MedGen C0265293, MONDO:0015942.
Melnick-Needles syndrome (MNS). Also called: Melnick-Needles Syndrome (FLNA-MNS); MELNICK-NEEDLES OSTEODYSPLASTY; OSTEODYSPLASTY OF MELNICK AND NEEDLES. Identifiers: Orphanet 2484, MedGen C0025237, MONDO:0010650, OMIM 309350.

gnomAD v4.1: 2 of 1,211,528 alleles (0.00017%); highest among the groups gnomAD compares: Non-Finnish European, 0.00022%; no homozygotes.

Submissions (2):

Labcorp Genetics (formerly Invitae), Labcorp
Classification: Uncertain significance for Oto-palato-digital syndrome, type II; Heterotopia, periventricular, X-linked dominant; Frontometaphyseal dysplasia; Melnick-Needles syndrome. Last evaluated: 2024-08-07. Review status: criteria provided, single submitter. Criteria: Invitae Variant Classification Sherloc (09022015). Collection method: clinical testing. Allele origin: germline.
Comment: This sequence change replaces alanine, which is neutral and non-polar, with valine, which is neutral and non-polar, at codon 1110 of the FLNA protein (p.Ala1110Val). This variant is not present in population databases (gnomAD no frequency). This variant has not been reported in the literature in individuals affected with FLNA-related conditions. Advanced modeling of protein sequence and biophysical properties (such as structural, functional, and spatial information, amino acid conservation, physicochemical variation, residue mobility, and thermodynamic stability) performed at Invitae indicates that this missense variant is not expected to disrupt FLNA protein function with a negative predictive value of 95%. In summary, the available evidence is currently insufficient to determine the role of this variant in disease. Therefore, it has been classified as a Variant of Uncertain Significance.

Dr. Peter K. Rogan Lab, Western University
No classification provided (evidence only). Condition: Thyroid cancer, nonmedullary, 1. Review status: no classification provided. Collection method: in vitro. Allele origin: not applicable. Functional consequence: retained intron. Not counted in ClinVar's aggregate classification.